The following is an entry in ClinVar:

ClinVar aggregate classification (germline): Likely benign (1 of 4 stars; one submission).

Allele frequency attached by ClinVar (database versions not stated): ExAC 0.00003; gnomAD exomes 0.00004; gnomAD 0.00005; TOPMed 0.00006.
gnomAD v4.1: 64 of 1,585,928 alleles (0.004%); highest among the groups gnomAD compares: Non-Finnish European, 0.00034%; no homozygotes.

Submission:

CeGaT Center for Human Genetics Tuebingen
Classification: Likely benign. Last evaluated: 2023-04-01. Review status: criteria provided, single submitter. Criteria: CeGaT Center For Human Genetics Tuebingen Variant Classification Criteria Version 2. Collection method: clinical testing. Allele origin: germline. Affected: yes. Observed: 1 variant allele.
Comment: CAPN15: BP4

NM_005632.3(CAPN15):c.1842+4G>C

Gene: CAPN15 (calpain 15; plus strand). Cytogenetic location: 16p13.3.
Variant type: single nucleotide variant.
Coding change: c.1842+4G>C on transcript NM_005632.3 (MANE Select); 4 bases into the intron after coding-DNA position 1842, G replaced by C.
Molecular consequence: intron variant.
Genome position (GRCh38, 1-based): chr16:549,475, G>C. VCF-style: chr16-549475-G-C. GRCh37 (hg19) VCF-style: chr16-599475-G-C.
Identifiers: ClinVar variation 2645806 (VCV002645806.24), dbSNP rs759766924, ClinGen allele CA7778466.